The following is an entry in ClinVar:

NM_170606.3(KMT2C):c.7829G>A (p.Arg2610Gln)

Gene: KMT2C (lysine methyltransferase 2C; minus strand). Cytogenetic location: 7q36.1.
Variant type: single nucleotide variant.
Coding change: c.7829G>A on transcript NM_170606.3 (MANE Select); coding-DNA position 7829, G replaced by A.
Protein change: p.Arg2610Gln; replaces arginine 2610 with glutamine.
Molecular consequence: missense variant.
Genome position (GRCh38, 1-based): chr7:152,177,624, C>T on the plus strand (G>A on the coding strand, the complement: KMT2C is on the minus strand). VCF-style: chr7-152177624-C-T. GRCh37 (hg19) VCF-style: chr7-151874709-C-T.
Other names: c.7829G>A (NM_170606.2); short protein forms R2610Q.
Identifiers: ClinVar variation 134779 (VCV000134779.17), dbSNP rs139770288, ClinGen allele CA160729.
Genomic context (GRCh38, chr7:152,177,624, plus strand): 5'-GGTGGCACTTGTTCCAAATCTGGGTGCACAGGTAGCTGATTAGGTAGACCCTGGGGAGGT[C>T]GTCGCATGGGGTCTGTGTGTCTAGGGCCCGGAAAGTCTGGCCGGGGAATGAAGTTTCCAT-3'
Protein context (NP_733751.2, residues 2600-2620): PGPRHTDPMR[Arg2610Gln]PPQGLPNQLP

ClinVar aggregate classification (germline): Benign/Likely benign. Review status: criteria provided, multiple submitters, no conflicts (2 of 4 stars). 6 submissions from 6 submitters: Benign (1); Likely benign (3). 2 of the submissions do not count toward it. Last evaluated 2026-01-21.

Conditions:
KMT2C-related disorder. Also called: KMT2C-related condition; KMT2C-related disorders.
Inborn genetic diseases. Identifiers: MedGen C0950123, MeSH D030342.

Allele frequency attached by ClinVar (database versions not stated): 1000 Genomes Project 0.00080; gnomAD 0.00038 and 0.00034; ExAC 0.00047; TOPMed 0.00047; gnomAD exomes 0.00055 and 0.00011; 1000 Genomes Project 30x 0.00062; ESP Exome Variant Server 0.00023.
gnomAD v4.1: 298 of 1,614,016 alleles (0.018%); highest among the groups gnomAD compares: East Asian, 0.38%; 2 homozygotes.

Submissions (6):

Labcorp Genetics (formerly Invitae), Labcorp
Classification: Benign. Last evaluated: 2026-01-21. Review status: criteria provided, single submitter. Criteria: Invitae Variant Classification Sherloc (09022015). Collection method: clinical testing. Allele origin: germline.

CeGaT Center for Human Genetics Tuebingen
Classification: Likely benign. Last evaluated: 2025-04-01. Review status: criteria provided, single submitter. Criteria: CeGaT Center For Human Genetics Tuebingen Variant Classification Criteria Version 2. Collection method: clinical testing. Allele origin: germline. Affected: yes. Observed: 1 variant allele.
Comment: KMT2C: BP4, BS1

Blueprint Genetics
Classification: Likely benign. Last evaluated: 2024-10-28. Review status: criteria provided, single submitter. Criteria: ACMG Guidelines, 2015. Collection method: clinical testing. Allele origin: germline.

Ambry Genetics
Classification: Likely benign for Inborn genetic diseases. Last evaluated: 2022-11-02. Review status: criteria provided, single submitter. Criteria: Ambry Variant Classification Scheme 2023. Collection method: clinical testing. Allele origin: germline.

PreventionGenetics, part of Exact Sciences
Classification: Likely benign for KMT2C-related condition. Last evaluated: 2021-03-24. Review status: no assertion criteria provided. Collection method: clinical testing. Allele origin: germline. Not counted in ClinVar's aggregate classification.
Comment: This variant is classified as likely benign based on ACMG/AMP sequence variant interpretation guidelines (Richards et al. 2015 PMID: 25741868, with internal and published modifications).

ITMI
No classification provided. Condition: AllHighlyPenetrant. Last evaluated: 2013-09-19. Review status: no classification provided. Collection method: reference population. Allele origin: germline. Not counted in ClinVar's aggregate classification.
Comment: Please see associated publication for description of ethnicities

Literature cited by the submitters: PubMed 24728327 (cited by ITMI).